The following is an entry in ClinVar:

ClinVar aggregate classification (germline): Benign/Likely benign. Review status: criteria provided, multiple submitters, no conflicts (2 of 4 stars). 8 submissions from 8 submitters: Benign (2); Likely benign (5). 1 of the submissions does not count toward it. Last evaluated 2026-01-28.

Conditions:
TSC2-related disorder. Also called: TSC2-related condition; TSC2-Related Disorders.
Hereditary cancer-predisposing syndrome. Also called: Neoplastic Syndromes, Hereditary; Tumor predisposition; Hereditary Cancer Syndrome; Hereditary neoplastic syndrome. Identifiers: Orphanet 140162, MedGen C0027672, MeSH D009386, MONDO:0015356.
Tuberous sclerosis syndrome (TSC). Also called: Tuberous Sclerosis Complex; Tuberous sclerosis. Identifiers: Orphanet 805, MedGen C0041341, MONDO:0001734.
Tuberous sclerosis 2 (TSC2). Identifiers: Orphanet 805, MedGen C1860707, MONDO:0013199, OMIM 613254.

Allele frequency attached by ClinVar (database versions not stated): ExAC 0.00004; gnomAD 0.00004 and 0.00005; gnomAD exomes 0.00008 and 0.00012; TOPMed 0.00009; ESP Exome Variant Server 0.00015.
gnomAD v4.1: 181 of 1,612,332 alleles (0.011%); highest among the groups gnomAD compares: Middle Eastern, 0.018%; no homozygotes.

Submissions (8):

Labcorp Genetics (formerly Invitae), Labcorp
Classification: Benign for Tuberous sclerosis 2. Last evaluated: 2026-01-28. Review status: criteria provided, single submitter. Criteria: Invitae Variant Classification Sherloc (09022015). Collection method: clinical testing. Allele origin: germline.

Myriad Genetics, Inc.
Classification: Likely benign for Tuberous sclerosis 2. Last evaluated: 2025-05-20. Review status: criteria provided, single submitter. Criteria: Myriad Autosomal Dominant, Autosomal Recessive and X-Linked Classification Criteria (2023). Collection method: clinical testing. Allele origin: unknown.
Comment: This variant is considered likely benign. This variant has been observed at a population frequency that is significantly greater than expected given the associated disease prevalence and penetrance.

Blueprint Genetics
Classification: Likely benign. Last evaluated: 2023-12-21. Review status: criteria provided, single submitter. Criteria: ACMG Guidelines, 2015. Collection method: clinical testing. Allele origin: germline.

Color Diagnostics, LLC DBA Color Health
Classification: Likely benign for Tuberous sclerosis syndrome. Last evaluated: 2022-09-26. Review status: criteria provided, single submitter. Criteria: ACMG Guidelines, 2015. Collection method: clinical testing. Allele origin: germline.

Genome-Nilou Lab
Classification: Benign for Tuberous sclerosis 2. Last evaluated: 2021-11-07. Review status: criteria provided, single submitter. Criteria: ACMG Guidelines, 2015. Collection method: clinical testing. Allele origin: germline. Affected: no.

GeneDx
Classification: Likely benign. Last evaluated: 2021-06-23. Review status: criteria provided, single submitter. Criteria: GeneDx Variant Classification Process June 2021. Collection method: clinical testing. Allele origin: germline. Affected: yes.
Comment: This variant is associated with the following publications: (PMID: 27723760, 29500070)

Ambry Genetics
Classification: Likely benign for Hereditary cancer-predisposing syndrome. Last evaluated: 2018-11-15. Review status: criteria provided, single submitter. Criteria: Ambry Variant Classification Scheme 2023. Collection method: clinical testing. Allele origin: germline.

PreventionGenetics, part of Exact Sciences
Classification: Likely benign for TSC2-related condition. Last evaluated: 2023-05-24. Review status: no assertion criteria provided. Collection method: clinical testing. Allele origin: germline. Not counted in ClinVar's aggregate classification.
Comment: This variant is classified as likely benign based on ACMG/AMP sequence variant interpretation guidelines (Richards et al. 2015 PMID: 25741868, with internal and published modifications).

NM_000548.5(TSC2):c.2392C>T (p.His798Tyr)

Gene: TSC2 (TSC complex subunit 2; plus strand). Cytogenetic location: 16p13.3.
Variant type: single nucleotide variant.
Coding change: c.2392C>T on transcript NM_000548.5 (MANE Select); coding-DNA position 2392, C replaced by T.
Protein change: p.His798Tyr; replaces histidine 798 with tyrosine.
Molecular consequence: missense variant.
Genome position (GRCh38, 1-based): chr16:2,074,236, C>T. VCF-style: chr16-2074236-C-T. GRCh37 (hg19) VCF-style: chr16-2124237-C-T.
Other names: c.2392C>T (NM_000548.4); c.2392C>T, p.His798Tyr (NM_001077183.3, NM_001114382.3, NM_001363528.2 and 3 more transcripts); c.2281C>T, p.His761Tyr (NM_001318827.2); c.2245C>T, p.His749Tyr (NM_001318829.2); c.1792C>T, p.His598Tyr (NM_001318831.2); c.2425C>T, p.His809Tyr (NM_001318832.2); short protein forms H798Y, H598Y, H749Y, H761Y, H809Y.
Identifiers: ClinVar variation 405980 (VCV000405980.25), dbSNP rs375809212, ClinGen allele CA038855.